The following is an entry in ClinVar:

ClinVar aggregate classification (germline): Uncertain significance (1 of 4 stars; one submission).

Allele frequency attached by ClinVar (database versions not stated): gnomAD exomes below 0.00001 and 0.00001; gnomAD 0.00001.
gnomAD v4.1: 5 of 1,613,296 alleles (0.00031%); highest among the groups gnomAD compares: Admixed American, 0.0017%; no homozygotes.

Submission:

Labcorp Genetics (formerly Invitae), Labcorp
Classification: Uncertain significance. Last evaluated: 2026-01-28. Review status: criteria provided, single submitter. Criteria: Invitae Variant Classification Sherloc (09022015). Collection method: clinical testing. Allele origin: germline.
Comment: This sequence change replaces glycine, which is neutral and non-polar, with serine, which is neutral and polar, at codon 424 of the KIF2A protein (p.Gly424Ser). This variant is present in population databases (no rsID available, gnomAD 0.004%). This variant has not been reported in the literature in individuals affected with KIF2A-related conditions. ClinVar contains an entry for this variant (Variation ID: 1491336). An algorithm developed to predict the effect of missense changes on protein structure and function (PolyPhen-2) suggests that this variant is likely to be disruptive. In summary, the available evidence is currently insufficient to determine the role of this variant in disease. Therefore, it has been classified as a Variant of Uncertain Significance.

NM_001098511.3(KIF2A):c.1270G>A (p.Gly424Ser)

Gene: KIF2A (kinesin family member 2A; plus strand). Cytogenetic location: 5q12.1.
Variant type: single nucleotide variant.
Coding change: c.1270G>A on transcript NM_001098511.3 (MANE Select); coding-DNA position 1270, G replaced by A.
Protein change: p.Gly424Ser; replaces glycine 424 with serine.
Molecular consequence: missense variant.
Genome position (GRCh38, 1-based): chr5:62,363,702, G>A. VCF-style: chr5-62363702-G-A. GRCh37 (hg19) VCF-style: chr5-61659529-G-A.
Other names: c.1189G>A, p.Gly397Ser (NM_001243952.2); c.1213G>A, p.Gly405Ser (NM_001243953.2); c.1270G>A, p.Gly424Ser (NM_004520.5); short protein forms G397S, G405S, G424S.
Identifiers: ClinVar variation 1491336 (VCV001491336.8), dbSNP rs1242069125, ClinGen allele CA359951213.